The following is an entry in ClinVar:

ClinVar aggregate classification (germline): Uncertain significance (1 of 4 stars; one submission).

gnomAD v4.1: 2 of 1,614,200 alleles (0.00012%); highest among the groups gnomAD compares: Admixed American, 0.0033%; no homozygotes.

Submission:

CeGaT Center for Human Genetics Tuebingen
Classification: Uncertain significance. Last evaluated: 2024-02-01. Review status: criteria provided, single submitter. Criteria: CeGaT Center For Human Genetics Tuebingen Variant Classification Criteria Version 2. Collection method: clinical testing. Allele origin: germline. Affected: yes. Observed: 1 variant allele.
Comment: CAMTA1: PM2, BP4

NM_015215.4(CAMTA1):c.4445T>C (p.Ile1482Thr)

Gene: CAMTA1 (calmodulin binding transcription activator 1; plus strand). Cytogenetic location: 1p36.23.
Variant type: single nucleotide variant.
Coding change: c.4445T>C on transcript NM_015215.4 (MANE Select); coding-DNA position 4445, T replaced by C.
Protein change: p.Ile1482Thr; replaces isoleucine 1482 with threonine.
Molecular consequence: missense variant.
Genome position (GRCh38, 1-based): chr1:7,745,919, T>C. VCF-style: chr1-7745919-T-C. GRCh37 (hg19) VCF-style: chr1-7805979-T-C.
Other names: c.4355T>C, p.Ile1452Thr (NM_001349608.2); c.4106T>C, p.Ile1369Thr (NM_001349609.2, NM_001349610.2, NM_001410737.1); c.4016T>C, p.Ile1339Thr (NM_001349612.2); c.1574T>C, p.Ile525Thr (NM_001349613.1); c.1517T>C, p.Ile506Thr (NM_001349614.1, NM_001349615.2, NM_001349616.2 and 2 more transcripts); c.1178T>C, p.Ile393Thr (NM_001349619.2, NM_001349620.1, NM_001349621.1 and 5 more transcripts); c.4034T>C, p.Ile1345Thr (NM_001410738.1); short protein forms I1339T, I1345T, I1369T, I1452T, I1482T, I393T, I506T, I525T.
Identifiers: ClinVar variation 3025819 (VCV003025819.22), dbSNP rs1296690897, ClinGen allele CA338141168.